The following is an entry in ClinVar:

ClinVar aggregate classification (germline): Benign/Likely benign. Review status: criteria provided, multiple submitters, no conflicts (2 of 4 stars). 8 submissions from 8 submitters: Benign (5); Likely benign (1). 2 of the submissions do not count toward it. Last evaluated 2026-02-04.

Conditions:
Periodontitis, aggressive. Identifiers: MedGen C0031106, MONDO:0980757.
Haim-Munk syndrome (HMS). Also called: KERATOSIS PALMOPLANTARIS WITH PERIODONTOPATHIA AND ONYCHOGRYPOSIS; COCHIN JEWISH DISORDER. Identifiers: Orphanet 2342, MedGen C1855627, MONDO:0009491, OMIM 245010.
Papillon-Lefèvre syndrome (PALS). Also called: KERATOSIS PALMOPLANTARIS WITH PERIODONTOPATHIA; Papillon-Lefevre Disease. Identifiers: Orphanet 678, MedGen C0030360, MONDO:0009490, OMIM 245000.

Allele frequency attached by ClinVar (database versions not stated): gnomAD exomes 0.85800 and 0.88379; ESP Exome Variant Server 0.86408; gnomAD 0.87257 and 0.87607; TOPMed 0.87725; ExAC 0.88608; 1000 Genomes Project 30x 0.92911; 1000 Genomes Project 0.93091.
gnomAD v4.1: 1,387,295 of 1,613,912 alleles (86%); highest among the groups gnomAD compares: East Asian, 100%; 597,758 homozygotes.

Submissions (8):

Labcorp Genetics (formerly Invitae), Labcorp
Classification: Benign for Haim-Munk syndrome; Periodontitis, aggressive; Papillon-Lefèvre syndrome. Last evaluated: 2026-02-04. Review status: criteria provided, single submitter. Criteria: Invitae Variant Classification Sherloc (09022015). Collection method: clinical testing. Allele origin: germline.

Blueprint Genetics
Classification: Likely benign. Last evaluated: 2024-11-27. Review status: criteria provided, single submitter. Criteria: ACMG Guidelines, 2015. Collection method: clinical testing. Allele origin: germline.

Fulgent Genetics
Classification: Benign for Periodontitis, aggressive 1; Papillon-Lefèvre syndrome; Haim-Munk syndrome. Last evaluated: 2021-08-30. Review status: criteria provided, single submitter. Criteria: ACMG Guidelines, 2015. Collection method: clinical testing. Allele origin: unknown.

Mayo Clinic Laboratories, Mayo Clinic
Classification: Benign. Last evaluated: 2018-06-06. Review status: criteria provided, single submitter. Criteria: ACMG Guidelines, 2015. Collection method: clinical testing. Allele origin: germline. Observed: 51 variant alleles.

Laboratory for Molecular Medicine, Mass General Brigham Personalized Medicine
Classification: Benign. Last evaluated: 2016-03-28. Review status: criteria provided, single submitter. Criteria: LMM Criteria. Collection method: clinical testing. Allele origin: germline.
Comment: Variant identified in a genome or exome case(s) and assessed due to predicted null impact of the variant or pathogenic assertions in the literature or databases. Disclaimer: This variant has not undergone full assessment. The following are preliminary notes: Frequency

Breakthrough Genomics
Classification: Benign. Review status: criteria provided, single submitter. Criteria: ACMG Guidelines, 2015. Collection method: not provided. Allele origin: germline. Inheritance: Autosomal recessive inheritance. Affected: yes.

Diagnostic Laboratory, Department of Genetics, University Medical Center Groningen
Classification: Benign. Review status: no assertion criteria provided. Collection method: clinical testing. Allele origin: germline. Affected: yes. Study: VKGL Data-share Consensus. Not counted in ClinVar's aggregate classification.

Genome Diagnostics Laboratory, University Medical Center Utrecht
Classification: Likely benign. Review status: no assertion criteria provided. Collection method: clinical testing. Allele origin: germline. Affected: yes. Study: VKGL Data-share Consensus. Not counted in ClinVar's aggregate classification.

NM_001814.6(CTSC):c.458T>C (p.Ile153Thr)

Gene: CTSC (cathepsin C; minus strand). Cytogenetic location: 11q14.2.
Variant type: single nucleotide variant.
Coding change: c.458T>C on transcript NM_001814.6 (MANE Select); coding-DNA position 458, T replaced by C.
Protein change: p.Ile153Thr; replaces isoleucine 153 with threonine.
Molecular consequence: missense variant.
Genome position (GRCh38, 1-based): chr11:88,312,415, A>G on the plus strand (T>C on the coding strand, the complement: CTSC is on the minus strand). VCF-style: chr11-88312415-A-G. GRCh37 (hg19) VCF-style: chr11-88045583-A-G.
Other names: p.Ile153Thr; short protein forms I153T.
Identifiers: ClinVar variation 402572 (VCV000402572.21), dbSNP rs217086, ClinGen allele CA6219956.